The following is an entry in ClinVar:

ClinVar aggregate classification (germline): Uncertain significance (1 of 4 stars; one submission).

Conditions:
Inborn genetic diseases. Identifiers: MedGen C0950123, MeSH D030342.

Submission:

Ambry Genetics
Classification: Uncertain significance for Inborn genetic diseases. Last evaluated: 2021-05-20. Review status: criteria provided, single submitter. Criteria: Ambry Variant Classification Scheme 2023. Collection method: clinical testing. Allele origin: germline.
Comment: The p.G400V variant (also known as c.1199G>T), located in coding exon 4 of the SLC52A2 gene, results from a G to T substitution at nucleotide position 1199. The glycine at codon 400 is replaced by valine, an amino acid with dissimilar properties. This amino acid position is not well conserved in available vertebrate species. In addition, this alteration is predicted to be tolerated by in silico analysis. Since supporting evidence is limited at this time, the clinical significance of this alteration remains unclear.

NM_001363118.2(SLC52A2):c.1199G>T (p.Gly400Val)

Gene: SLC52A2 (solute carrier family 52 member 2; plus strand). Cytogenetic location: 8q24.3.
Variant type: single nucleotide variant.
Coding change: c.1199G>T on transcript NM_001363118.2 (MANE Select); coding-DNA position 1199, G replaced by T.
Protein change: p.Gly400Val; replaces glycine 400 with valine.
Molecular consequence: missense variant. On other transcripts: non-coding transcript variant (1).
Genome position (GRCh38, 1-based): chr8:144,360,876, G>T. VCF-style: chr8-144360876-G-T. GRCh37 (hg19) VCF-style: chr8-145584536-G-T.
Other names: c.1199G>T, p.Gly400Val (NM_001253815.2, NM_001253816.2, NM_001363120.2 and 2 more transcripts); c.707G>T, p.Gly236Val (NM_001363122.2); c.935G>T, p.Gly312Val (NM_001410949.1); short protein forms G236V, G312V, G400V.
Identifiers: ClinVar variation 1746713 (VCV001746713.2), dbSNP rs2130652025, ClinGen allele CA372629559.
Genomic context (GRCh38, chr8:144,360,876, plus strand): 5'-TGCTGTGTCTTGGCGTGTTCTCCTACGTGAAGGTGGCAGCCAGCTCCCTGCTGCATGGCG[G>T]GGGCCGGCCGGCATTGCTGGCAGCCGGCGTGGCCATCCAGGTGGGCTCTCTGCTCGGCGC-3'
Protein context (NP_001350047.1, residues 390-410): KVAASSLLHG[Gly400Val]GRPALLAAGV